The following is an entry in ClinVar:

ClinVar aggregate classification (germline): Uncertain significance (1 of 4 stars; one submission).

Conditions:
Autosomal recessive ataxia, Beauce type. Also called: ATAXIA, RECESSIVE, OF BEAUCE; Spinocerebellar ataxia, autosomal recessive 8; SYNE1-Related Autosomal Recessive Cerebellar Ataxia; SYNE1 Deficiency. Identifiers: Orphanet 88644, MedGen C1853116, MONDO:0012549, OMIM 610743.
Emery-Dreifuss muscular dystrophy 4, autosomal dominant (EDMD4). Also called: EMERY-DREIFUSS MUSCULAR DYSTROPHY 4 WITH VARIABLE FEATURES. Identifiers: Orphanet 261, MedGen C2751807, MONDO:0013071, OMIM 612998.

gnomAD v4.1: 3 of 1,614,138 alleles (0.00019%); highest among the groups gnomAD compares: Admixed American, 0.005%; no homozygotes.

Submission:

Labcorp Genetics (formerly Invitae), Labcorp
Classification: Uncertain significance for Emery-Dreifuss muscular dystrophy 4, autosomal dominant; Autosomal recessive ataxia, Beauce type. Last evaluated: 2022-04-13. Review status: criteria provided, single submitter. Criteria: Invitae Variant Classification Sherloc (09022015). Collection method: clinical testing. Allele origin: germline.
Comment: In summary, the available evidence is currently insufficient to determine the role of this variant in disease. Therefore, it has been classified as a Variant of Uncertain Significance. This sequence change replaces alanine, which is neutral and non-polar, with serine, which is neutral and polar, at codon 4297 of the SYNE1 protein (p.Ala4297Ser). This variant is present in population databases (rs201900423, gnomAD 0.006%). This variant has not been reported in the literature in individuals affected with SYNE1-related conditions. ClinVar contains an entry for this variant (Variation ID: 1025908). Algorithms developed to predict the effect of missense changes on protein structure and function output the following: SIFT: "Tolerated"; PolyPhen-2: "Benign"; Align-GVGD: "Class C0". The serine amino acid residue is found in multiple mammalian species, which suggests that this missense change does not adversely affect protein function.

NM_182961.4(SYNE1):c.13102G>T (p.Ala4368Ser)

Gene: SYNE1 (spectrin repeat containing nuclear envelope protein 1; minus strand). Cytogenetic location: 6q25.2.
Variant type: single nucleotide variant.
Coding change: c.13102G>T on transcript NM_182961.4 (MANE Select); coding-DNA position 13102, G replaced by T.
Protein change: p.Ala4368Ser; replaces alanine 4368 with serine.
Molecular consequence: missense variant.
Genome position (GRCh38, 1-based): chr6:152,331,583, C>A on the plus strand (G>T on the coding strand, the complement: SYNE1 is on the minus strand). VCF-style: chr6-152331583-C-A. GRCh37 (hg19) VCF-style: chr6-152652718-C-A.
Other names: c.12889G>T, p.Ala4297Ser (NM_033071.5); short protein forms A4297S, A4368S.
Identifiers: ClinVar variation 1025908 (VCV001025908.8), dbSNP rs201900423, ClinGen allele CA4056247.